The following is an entry in ClinVar:

NM_206933.4(USH2A):c.5776+2T>C

Genes: USH2A (usherin; minus strand), USH2A-AS2 (USH2A antisense RNA 2; plus strand). Cytogenetic location: 1q41.
Variant type: single nucleotide variant.
Coding change: c.5776+2T>C on transcript NM_206933.4 (MANE Select); the canonical splice donor site of the intron after coding-DNA position 5776, T replaced by C.
Molecular consequence: splice donor variant.
Genome position (GRCh38, 1-based): chr1:216,073,095, A>G on the plus strand (T>C on the coding strand, the complement: USH2A is on the minus strand). VCF-style: chr1-216073095-A-G. GRCh37 (hg19) VCF-style: chr1-216246437-A-G.
Identifiers: ClinVar variation 426782 (VCV000426782.4), dbSNP rs866978361, ClinGen allele CA37437179.

ClinVar aggregate classification (germline): Pathogenic. Review status: criteria provided, multiple submitters, no conflicts (2 of 4 stars). 3 submissions from 3 submitters: Pathogenic (3). Last evaluated 2024-08-06.

Conditions:
Retinal dystrophy. Also called: Inherited retinal dystrophy. Identifiers: Orphanet 71862, MedGen C0854723, MeSH D058499, MONDO:0019118, HP:0000556.
Usher syndrome type 2A. Also called: RETINAL DISEASE IN USHER SYNDROME TYPE IIA, MODIFIER OF; USHER SYNDROME, TYPE IIA. Identifiers: Orphanet 231178, Orphanet 886, MedGen C1848634, MONDO:0010169, OMIM 276901.

Submissions (3):

Natera, Inc.
Classification: Pathogenic for Usher syndrome type 2A. Last evaluated: 2024-08-06. Review status: criteria provided, single submitter. Criteria: Natera Variant Classification Schema (03/2026). Collection method: clinical testing. Allele origin: germline.
Comment: The c.5776+2T>C variant in USH2A is a canonical splice donor site variant predicted to affect pre-mRNA splicing, which may result in an abnormal transcript and altered protein product. This variant is expected to result in nonsense mediated decay, truncation, or a dysfunctional protein product. This variant is rare in the general population with a frequency below the threshold expected for the associated phenotype(s). This variant has been observed in one or more individuals affected with the associated recessive disease, as either homozygous or compound heterozygous with a second variant (PMID: 28944237, 23591405). Given the available evidence, this variant is classified as Pathogenic.

Institute of Human Genetics, Univ. Regensburg, Univ. Regensburg
Classification: Pathogenic for Retinal dystrophy. Last evaluated: 2019-01-01. Review status: criteria provided, single submitter. Criteria: ACMG Guidelines, 2015. Collection method: clinical testing. Allele origin: germline. Affected: yes.

GeneDx
Classification: Pathogenic. Last evaluated: 2017-04-04. Review status: criteria provided, single submitter. Criteria: GeneDx Variant Classification (06012015). Collection method: clinical testing. Allele origin: germline. Affected: yes.
Comment: The c.5776+2T>C variant in the USH2A gene has been reported previously in association with Usher syndrome type II (Bonnet et al., 2016). This splice site variant destroys the canonical splice donor site in intron 28. It is predicted to cause abnormal gene splicing, either leading to an abnormal message that is subject to nonsense-mediated mRNA decay, or to an abnormal protein product if the message is used for protein translation. The c.5776+2T>C variant is not observed in large population cohorts (Lek et al., 2016; 1000 Genomes Consortium et al., 2015; Exome Variant Server). A canonical splice site variant in the same splice donor site in intron 28 (c.5776+1G>A) has also been reported in association with Usher syndrome (Sandberg et al., 2008; Jaijo et al., 2010; Wang et al., 2014; Glockle et al., 2014). We interpret c.5776+2T>C as a pathogenic variant.

Literature cited by the submitters: PubMed 28944237 (cited by Natera, Inc.); PubMed 23591405 (cited by Natera, Inc.); PubMed 27460420 (cited by Institute of Human Genetics, Univ. Regensburg, Univ. Regensburg).